The following is an entry in ClinVar:

NM_001458.5(FLNC):c.2666A>G (p.His889Arg)

Gene: FLNC (filamin C; plus strand). Cytogenetic location: 7q32.1.
Variant type: single nucleotide variant.
Coding change: c.2666A>G on transcript NM_001458.5 (MANE Select); coding-DNA position 2666, A replaced by G.
Protein change: p.His889Arg; replaces histidine 889 with arginine.
Molecular consequence: missense variant.
Genome position (GRCh38, 1-based): chr7:128,843,432, A>G. VCF-style: chr7-128843432-A-G. GRCh37 (hg19) VCF-style: chr7-128483486-A-G.
Other names: c.2666A>G, p.His889Arg (NM_001127487.2); c.2666A>G (NM_001458.4); short protein forms H889R.
Identifiers: ClinVar variation 1434596 (VCV001434596.9), dbSNP rs1808424297, ClinGen allele CA369192829.

ClinVar aggregate classification (germline): Uncertain significance. Review status: criteria provided, multiple submitters, no conflicts (2 of 4 stars). 2 submissions from 2 submitters: Uncertain significance (2). Last evaluated 2026-06-12.

Conditions:
Cardiovascular phenotype. Identifiers: MedGen CN230736.
Myofibrillar myopathy 5. Also called: Filaminopathy (type); FILAMINOPATHY, AUTOSOMAL DOMINANT. Identifiers: Orphanet 171445, MedGen C1836050, MONDO:0012289, OMIM 609524.
Distal myopathy with posterior leg and anterior hand involvement. Also called: WILLIAMS DISTAL MYOPATHY. Identifiers: Orphanet 63273, MedGen C3279722, MONDO:0013550, OMIM 614065.
Hypertrophic cardiomyopathy 26. Also called: Cardiomyopathy, familial hypertrophic, 26. Identifiers: Orphanet 75249, MedGen C4310749, MONDO:0014883, OMIM 617047.

Allele frequency attached by ClinVar (database versions not stated): gnomAD 0.00001.
gnomAD v4.1: 2 of 1,613,858 alleles (0.00012%); highest among the groups gnomAD compares: African/African-American, 0.0013%; no homozygotes.

Submissions (2):

Ambry Genetics
Classification: Uncertain significance for Cardiovascular phenotype. Last evaluated: 2026-06-12. Review status: criteria provided, single submitter. Criteria: Ambry Variant Classification Scheme 2023. Collection method: clinical testing. Allele origin: germline.
Comment: The p.H889R variant (also known as c.2666A>G), located in coding exon 18 of the FLNC gene, results from an A to G substitution at nucleotide position 2666. The histidine at codon 889 is replaced by arginine, an amino acid with highly similar properties. This amino acid position is conserved. In addition, this alteration is predicted to be deleterious by in silico analysis. Based on the available evidence, the clinical significance of this variant remains unclear.

Labcorp Genetics (formerly Invitae), Labcorp
Classification: Uncertain significance for Distal myopathy with posterior leg and anterior hand involvement; Myofibrillar myopathy 5; Hypertrophic cardiomyopathy 26. Last evaluated: 2024-11-18. Review status: criteria provided, single submitter. Criteria: Invitae Variant Classification Sherloc (09022015). Collection method: clinical testing. Allele origin: germline.
Comment: This sequence change replaces histidine, which is basic and polar, with arginine, which is basic and polar, at codon 889 of the FLNC protein (p.His889Arg). This variant is not present in population databases (gnomAD no frequency). This variant has not been reported in the literature in individuals affected with FLNC-related conditions. ClinVar contains an entry for this variant (Variation ID: 1434596). Invitae Evidence Modeling of protein sequence and biophysical properties (such as structural, functional, and spatial information, amino acid conservation, physicochemical variation, residue mobility, and thermodynamic stability) has been performed for this missense variant. However, the output from this modeling did not meet the statistical confidence thresholds required to predict the impact of this variant on FLNC protein function. In summary, the available evidence is currently insufficient to determine the role of this variant in disease. Therefore, it has been classified as a Variant of Uncertain Significance.